The following is an entry in ClinVar:

ClinVar aggregate classification (germline): Uncertain significance (1 of 4 stars; one submission).

Conditions:
Baller-Gerold syndrome (BGS). Also called: CRANIOSYNOSTOSIS WITH RADIAL DEFECTS. Identifiers: Orphanet 1225, MedGen C0265308, MONDO:0009039, OMIM 218600.

Allele frequency attached by ClinVar (database versions not stated): gnomAD exomes 0.00001.

Submission:

Labcorp Genetics (formerly Invitae), Labcorp
Classification: Uncertain significance for Baller-Gerold syndrome. Last evaluated: 2023-11-19. Review status: criteria provided, single submitter. Criteria: Invitae Variant Classification Sherloc (09022015). Collection method: clinical testing. Allele origin: germline.
Comment: This sequence change falls in intron 5 of the RECQL4 gene. It does not directly change the encoded amino acid sequence of the RECQL4 protein. This variant is not present in population databases (gnomAD no frequency). This variant has not been reported in the literature in individuals affected with RECQL4-related conditions. Algorithms developed to predict the effect of sequence changes on RNA splicing suggest that this variant may disrupt the consensus splice site. In summary, the available evidence is currently insufficient to determine the role of this variant in disease. Therefore, it has been classified as a Variant of Uncertain Significance.

NM_004260.4(RECQL4):c.1132-13G>A

Gene: RECQL4 (RecQ like helicase 4; minus strand). Cytogenetic location: 8q24.3.
Variant type: single nucleotide variant.
Coding change: c.1132-13G>A on transcript NM_004260.4 (MANE Select); 13 bases into the intron before coding-DNA position 1132, G replaced by A.
Molecular consequence: intron variant.
Genome position (GRCh38, 1-based): chr8:144,515,903, C>T on the plus strand (G>A on the coding strand, the complement: RECQL4 is on the minus strand). VCF-style: chr8-144515903-C-T. GRCh37 (hg19) VCF-style: chr8-145741287-C-T.
Other names: c.1003-13G>A (NM_001413025.1); c.781-13G>A (NM_001413029.1); c.-2-13G>A (NM_001413032.1, NM_001413027.1, NM_001413031.1 and 2 more transcripts); c.61-13G>A (NM_001413035.1, NM_001413040.1, NM_001413021.1 and 8 more transcripts); c.1036-13G>A (NM_001413017.1, NM_001413020.1); c.1132-13G>A (NM_001413039.1, NM_001413033.1, NM_001413018.1 and 2 more transcripts); c.-210+85G>A (NM_001413043.1).
Identifiers: ClinVar variation 2882206 (VCV002882206.3), dbSNP rs2538075261, ClinGen allele CA2579283119.